The following is an entry in ClinVar:

ClinVar aggregate classification (germline): Uncertain significance (1 of 4 stars; one submission).

Submission:

GeneDx
Classification: Uncertain significance. Last evaluated: 2025-04-01. Review status: criteria provided, single submitter. Criteria: GeneDx Variant Classification Process June 2021. Collection method: clinical testing. Allele origin: germline. Affected: yes.
Comment: Not observed at significant frequency in large population cohorts (gnomAD); In silico analysis supports that this missense variant has a deleterious effect on protein structure/function; Previously reported in an individual from a large cohort of probands with a neurodevelopmental phenotype (PMID: 37500730); This variant is associated with the following publications: (PMID: 37500730)

NM_020732.3:c.3732T>A

Gene: ARID1B (AT-rich interaction domain 1B; plus strand).
Variant type: single nucleotide variant.
Other names: c.3732T>A (NM_020732.3).
Identifiers: ClinVar variation 4278861 (VCV004278861.1).